The following is an entry in ClinVar:

ClinVar aggregate classification (germline): Uncertain significance (1 of 4 stars; one submission).

Conditions:
Autosomal recessive spastic paraplegia type 78. Identifiers: Orphanet 513436, MedGen C5567893, MONDO:0014975, OMIM 617225.
Kufor-Rakeb syndrome (KRS). Also called: PARKINSON DISEASE 9, AUTOSOMAL RECESSIVE, JUVENILE-ONSET. Identifiers: Orphanet 306674, Orphanet 314632, MedGen C1847640, MONDO:0011706, OMIM 606693.

gnomAD v4.1: 1 of 1,614,098 alleles (0.000062%); highest among the groups gnomAD compares: Non-Finnish European, 0.000085%; no homozygotes.

Submission:

Labcorp Genetics (formerly Invitae), Labcorp
Classification: Uncertain significance for Kufor-Rakeb syndrome; Autosomal recessive spastic paraplegia type 78. Last evaluated: 2022-08-07. Review status: criteria provided, single submitter. Criteria: Invitae Variant Classification Sherloc (09022015). Collection method: clinical testing. Allele origin: germline.
Comment: This sequence change replaces proline, which is neutral and non-polar, with glutamine, which is neutral and polar, at codon 589 of the ATP13A2 protein (p.Pro589Gln). This variant is present in population databases (no rsID available, gnomAD 0.007%). This variant has not been reported in the literature in individuals affected with ATP13A2-related conditions. Advanced modeling of protein sequence and biophysical properties (such as structural, functional, and spatial information, amino acid conservation, physicochemical variation, residue mobility, and thermodynamic stability) performed at Invitae indicates that this missense variant is not expected to disrupt ATP13A2 protein function. In summary, the available evidence is currently insufficient to determine the role of this variant in disease. Therefore, it has been classified as a Variant of Uncertain Significance.

NM_022089.4(ATP13A2):c.1766C>A (p.Pro589Gln)

Gene: ATP13A2 (ATPase cation transporting 13A2; minus strand). Cytogenetic location: 1p36.13.
Variant type: single nucleotide variant.
Coding change: c.1766C>A on transcript NM_022089.4 (MANE Select); coding-DNA position 1766, C replaced by A.
Protein change: p.Pro589Gln; replaces proline 589 with glutamine.
Molecular consequence: missense variant.
Genome position (GRCh38, 1-based): chr1:16,992,565, G>T on the plus strand (C>A on the coding strand, the complement: ATP13A2 is on the minus strand). VCF-style: chr1-16992565-G-T. GRCh37 (hg19) VCF-style: chr1-17319060-G-T.
Other names: c.1751C>A, p.Pro584Gln (NM_001141973.3, NM_001141974.3); short protein forms P584Q, P589Q.
Identifiers: ClinVar variation 1903068 (VCV001903068.5), dbSNP rs758992649, ClinGen allele CA338247175.